The following is an entry in ClinVar:

NM_014804.3(KIAA0753):c.1198A>G (p.Lys400Glu)

Gene: KIAA0753 (KIAA0753; minus strand). Cytogenetic location: 17p13.1.
Variant type: single nucleotide variant.
Coding change: c.1198A>G on transcript NM_014804.3 (MANE Select); coding-DNA position 1198, A replaced by G.
Protein change: p.Lys400Glu; replaces lysine 400 with glutamic acid.
Molecular consequence: missense variant. On other transcripts: non-coding transcript variant (3).
Genome position (GRCh38, 1-based): chr17:6,620,905, T>C on the plus strand (A>G on the coding strand, the complement: KIAA0753 is on the minus strand). VCF-style: chr17-6620905-T-C. GRCh37 (hg19) VCF-style: chr17-6524225-T-C.
Other names: c.301A>G, p.Lys101Glu (NM_001351225.2); short protein forms K400E, K101E.
Identifiers: ClinVar variation 755809 (VCV000755809.14), dbSNP rs181699637, ClinGen allele CA8330560.

ClinVar aggregate classification (germline): Benign/Likely benign. Review status: criteria provided, multiple submitters, no conflicts (2 of 4 stars). 3 submissions from 3 submitters: Benign (1); Likely benign (2). Last evaluated 2026-05-01.

Allele frequency attached by ClinVar (database versions not stated): gnomAD 0.00043 and 0.00046; gnomAD exomes 0.00046 and 0.00079; 1000 Genomes Project 30x 0.00062; ESP Exome Variant Server 0.00067; ExAC 0.00069; TOPMed 0.00073; 1000 Genomes Project 0.00080.
gnomAD v4.1: 770 of 1,614,182 alleles (0.048%); highest among the groups gnomAD compares: Middle Eastern, 0.2%; 2 homozygotes.

Submissions (3):

CeGaT Center for Human Genetics Tuebingen
Classification: Likely benign. Last evaluated: 2026-05-01. Review status: criteria provided, single submitter. Criteria: CeGaT Center For Human Genetics Tuebingen Variant Classification Criteria Version 2. Collection method: clinical testing. Allele origin: germline. Affected: yes. Observed: 2 variant alleles.
Comment: KIAA0753: BP4

Labcorp Genetics (formerly Invitae), Labcorp
Classification: Benign. Last evaluated: 2026-01-12. Review status: criteria provided, single submitter. Criteria: Invitae Variant Classification Sherloc (09022015). Collection method: clinical testing. Allele origin: germline.

Blueprint Genetics
Classification: Likely benign. Last evaluated: 2024-11-20. Review status: criteria provided, single submitter. Criteria: ACMG Guidelines, 2015. Collection method: clinical testing. Allele origin: germline.